The following is an entry in ClinVar:

ClinVar aggregate classification (germline): Uncertain significance (1 of 4 stars; one submission).

Allele frequency attached by ClinVar (database versions not stated): TOPMed below 0.00001.

Submission:

Labcorp Genetics (formerly Invitae), Labcorp
Classification: Uncertain significance. Last evaluated: 2024-11-27. Review status: criteria provided, single submitter. Criteria: Invitae Variant Classification Sherloc (09022015). Collection method: clinical testing. Allele origin: germline.
Comment: This sequence change replaces lysine, which is basic and polar, with glutamine, which is neutral and polar, at codon 721 of the C3 protein (p.Lys721Gln). This variant is not present in population databases (gnomAD no frequency). This variant has not been reported in the literature in individuals affected with C3-related conditions. ClinVar contains an entry for this variant (Variation ID: 2785189). Invitae Evidence Modeling of protein sequence and biophysical properties (such as structural, functional, and spatial information, amino acid conservation, physicochemical variation, residue mobility, and thermodynamic stability) indicates that this missense variant is not expected to disrupt C3 protein function with a negative predictive value of 80%. In summary, the available evidence is currently insufficient to determine the role of this variant in disease. Therefore, it has been classified as a Variant of Uncertain Significance.

NM_000064.4(C3):c.2161A>C (p.Lys721Gln)

Gene: C3 (complement C3; minus strand). Cytogenetic location: 19p13.3.
Variant type: single nucleotide variant.
Coding change: c.2161A>C on transcript NM_000064.4 (MANE Select); coding-DNA position 2161, A replaced by C.
Protein change: p.Lys721Gln; replaces lysine 721 with glutamine.
Molecular consequence: missense variant.
Genome position (GRCh38, 1-based): chr19:6,707,160, T>G on the plus strand (A>C on the coding strand, the complement: C3 is on the minus strand). VCF-style: chr19-6707160-T-G. GRCh37 (hg19) VCF-style: chr19-6707171-T-G.
Other names: short protein forms K721Q.
Identifiers: ClinVar variation 2785189 (VCV002785189.3), dbSNP rs541671944, ClinGen allele CA403637070.
Genomic context (GRCh38, chr19:6,707,160, plus strand): 5'-CCCGCGCGTGCTGCCGCCGCAGCTCTGTGATGTAGTTGCAGCAGTCCAGGAAGACCTTCT[T>G]GCACGCCTCGCCCAGGGAGATGAAACGGGTCCGGCGCTGGCACGAGAACCTCATGGGGTT-3'
Protein context (NP_000055.2, residues 711-731): TRFISLGEAC[Lys721Gln]KVFLDCCNYI